The following is an entry in ClinVar:

ClinVar aggregate classification (germline): Likely benign. Review status: criteria provided, multiple submitters, no conflicts (2 of 4 stars). 7 submissions from 7 submitters: Likely benign (7). Last evaluated 2026-01-08.

Conditions:
Cardiomyopathy (CMYO). Also called: Cardiomyopathies. Identifiers: Orphanet 167848, MedGen C0878544, MONDO:0004994, HP:0001638. Inheritance: Various modes of inheritance.
Cardiovascular phenotype. Identifiers: MedGen CN230736.
Arrhythmogenic right ventricular dysplasia 10. Also called: Arrhythmogenic Right Ventricular Dysplasia/Cardiomyopathy10; ARRHYTHMOGENIC RIGHT VENTRICULAR DYSPLASIA, FAMILIAL, 10; Arrhythmogenic right ventricular dysplasia/cardiomyopathy, type 10. Identifiers: MedGen C1857777, MONDO:0012434, OMIM 610193.
Arrhythmogenic right ventricular cardiomyopathy (ARVD). Also called: Cardiomyopathy, ARVC; Arrhythmogenic right ventricular dysplasia; Arrhythmogenic cardiomyopathy; Arrhythmogenic Right Ventricular Cardiomyopathy (ARVC). Identifiers: Orphanet 247, MedGen C0349788, MeSH D019571, MONDO:0016587. Disease mechanism: loss of function. Inheritance: Various modes of inheritance.

Allele frequency attached by ClinVar (database versions not stated): gnomAD exomes 0.00002; ExAC 0.00003; 1000 Genomes Project 30x 0.00016; 1000 Genomes Project 0.00020; gnomAD 0.00021 and 0.00024; TOPMed 0.00042.
gnomAD v4.1: 58 of 1,603,580 alleles (0.0036%); highest among the groups gnomAD compares: Admixed American, 0.049%; no homozygotes.

Submissions (7):

Labcorp Genetics (formerly Invitae), Labcorp
Classification: Likely benign for Arrhythmogenic right ventricular dysplasia 10. Last evaluated: 2026-01-08. Review status: criteria provided, single submitter. Criteria: Invitae Variant Classification Sherloc (09022015). Collection method: clinical testing. Allele origin: germline.

All of Us Research Program, National Institutes of Health
Classification: Likely benign for Arrhythmogenic right ventricular cardiomyopathy. Last evaluated: 2024-02-05. Review status: criteria provided, single submitter. Criteria: ACMG Guidelines, 2015. Collection method: clinical testing. Allele origin: germline. Inheritance: Autosomal dominant inheritance. Observed: 22 variant alleles, 22 heterozygotes.
Comment: This study involves interpretation of variants in research participants for the purpose of population health screening. Participant phenotype was not available at the time of variant classification. Additional details can be found in publication PMID: 35346344, PMCID: PMC8962531

Blueprint Genetics
Classification: Likely benign. Last evaluated: 2023-07-06. Review status: criteria provided, single submitter. Criteria: ACMG Guidelines, 2015. Collection method: clinical testing. Allele origin: germline.

ARUP Laboratories, Molecular Genetics and Genomics, ARUP Laboratories
Classification: Likely benign. Last evaluated: 2023-03-22. Review status: criteria provided, single submitter. Criteria: ARUP Molecular Germline Variant Investigation Process 2024. Collection method: clinical testing. Allele origin: germline.

GeneDx
Classification: Likely benign. Last evaluated: 2020-09-23. Review status: criteria provided, single submitter. Criteria: GeneDx Variant Classification Process June 2021. Collection method: clinical testing. Allele origin: germline. Affected: yes.

Color Diagnostics, LLC DBA Color Health
Classification: Likely benign for Cardiomyopathy. Last evaluated: 2018-10-22. Review status: criteria provided, single submitter. Criteria: ACMG Guidelines, 2015. Collection method: clinical testing. Allele origin: germline.

Ambry Genetics
Classification: Likely benign for Cardiovascular phenotype. Last evaluated: 2018-05-30. Review status: criteria provided, single submitter. Criteria: Ambry Variant Classification Scheme 2023. Collection method: clinical testing. Allele origin: germline.

NM_001943.5(DSG2):c.2913T>G (p.Ala971=)

Genes: DSG2 (desmoglein 2; plus strand), DSG2-AS1 (DSG2 antisense RNA 1; minus strand). Cytogenetic location: 18q12.1.
Variant type: single nucleotide variant.
Coding change: c.2913T>G on transcript NM_001943.5 (MANE Select); coding-DNA position 2913, T replaced by G.
Protein change: p.Ala971=; no amino-acid change (alanine 971 retained).
Molecular consequence: synonymous variant.
Genome position (GRCh38, 1-based): chr18:31,546,299, T>G. VCF-style: chr18-31546299-T-G. GRCh37 (hg19) VCF-style: chr18-29126262-T-G.
Other names: c.2913T>G (LRG_397t1).
Identifiers: ClinVar variation 534686 (VCV000534686.19), dbSNP rs200793530, ClinGen allele CA047489.
Genomic context (GRCh38, chr18:31,546,299, plus strand): 5'-GATCCTGGGTCCTAGCCAGCCACAGAGCCTTATTGTGACAGAGAGGGTGTATGCTCCAGC[T>G]TCTACCTTGGTAGATCAGCCTTATGCTAATGAAGGTACAGTTGTGGTCACTGAAAGAGTA-3'
Protein context (NP_001934.2, residues 961-981): LIVTERVYAP[Ala971=]STLVDQPYAN